The following is an entry in ClinVar:

ClinVar aggregate classification (germline): Uncertain significance (1 of 4 stars; one submission).

Allele frequency attached by ClinVar (database versions not stated): gnomAD exomes below 0.00001.
gnomAD v4.1: 4 of 1,208,324 alleles (0.00033%); highest among the groups gnomAD compares: Non-Finnish European, 0.00045%; no homozygotes.

Submission:

CeGaT Center for Human Genetics Tuebingen
Classification: Uncertain significance. Last evaluated: 2024-04-01. Review status: criteria provided, single submitter. Criteria: CeGaT Center For Human Genetics Tuebingen Variant Classification Criteria Version 2. Collection method: clinical testing. Allele origin: germline. Affected: yes. Observed: 1 variant allele.
Comment: NHS: PM2, BP4

NM_001291867.2(NHS):c.1299C>A (p.Asp433Glu)

Gene: NHS (NHS actin remodeling regulator; plus strand). Cytogenetic location: Xp22.13.
Variant type: single nucleotide variant.
Coding change: c.1299C>A on transcript NM_001291867.2 (MANE Select); coding-DNA position 1299, C replaced by A.
Protein change: p.Asp433Glu; replaces aspartic acid 433 with glutamic acid.
Molecular consequence: missense variant.
Genome position (GRCh38, 1-based): chrX:17,725,405, C>A. VCF-style: chrX-17725405-C-A. GRCh37 (hg19) VCF-style: chrX-17743525-C-A.
Other names: c.768C>A, p.Asp256Glu (NM_001136024.4); c.705C>A, p.Asp235Glu (NM_001291868.2); c.1236C>A, p.Asp412Glu (NM_198270.4); short protein forms D235E, D256E, D412E, D433E.
Identifiers: ClinVar variation 3234630 (VCV003234630.20), dbSNP rs200022378, ClinGen allele CA326966848.
Genomic context (GRCh38, chrX:17,725,405, plus strand): 5'-AGATTCTGATGAATCACCAGTGGCCAGGGAAAGGAATGTGATTGTGCACACAAACCCAGA[C>A]CCCTCCAACACTGTCAATAGGATATCCGGAACCAGGGACTCTGAGTGCCAAACCGAGGAT-3'
Protein context (NP_001278796.1, residues 423-443): ERNVIVHTNP[Asp433Glu]PSNTVNRISG